The following is an entry in ClinVar:

ClinVar aggregate classification (germline): Conflicting classifications of pathogenicity. Review status: criteria provided, conflicting classifications (1 of 4 stars). 3 submissions from 3 submitters: Uncertain significance (1); Likely benign (1). 1 of the submissions does not count toward it. Last evaluated 2019-09-12.

Conditions:
ECEL1-related disorder. Also called: ECEL1-related condition.
Inborn genetic diseases. Identifiers: MedGen C0950123, MeSH D030342.

Allele frequency attached by ClinVar (database versions not stated): 1000 Genomes Project 30x 0.00016; 1000 Genomes Project 0.00020; gnomAD 0.00021 and 0.00022; TOPMed 0.00027; ESP Exome Variant Server 0.00031; gnomAD exomes 0.00041; ExAC 0.00069.
gnomAD v4.1: 376 of 1,561,166 alleles (0.024%); highest among the groups gnomAD compares: Middle Eastern, 0.067%; 1 homozygote.

Submissions (3):

Ambry Genetics
Classification: Uncertain significance for Inborn genetic diseases. Last evaluated: 2019-09-12. Review status: criteria provided, single submitter. Criteria: Ambry exome assertion method (8-5-2015). Collection method: clinical testing. Allele origin: germline. Affected: yes. Observed: 1 variant allele.

Labcorp Genetics (formerly Invitae), Labcorp
Classification: Likely benign. Last evaluated: 2018-06-13. Review status: criteria provided, single submitter. Criteria: Invitae Variant Classification Sherloc (09022015). Collection method: clinical testing. Allele origin: germline.

PreventionGenetics, part of Exact Sciences
Classification: Likely benign for ECEL1-related condition. Last evaluated: 2024-09-27. Review status: no assertion criteria provided. Collection method: clinical testing. Allele origin: germline. Not counted in ClinVar's aggregate classification.
Comment: This variant is classified as likely benign based on ACMG/AMP sequence variant interpretation guidelines (Richards et al. 2015 PMID: 25741868, with internal and published modifications).

NM_004826.4(ECEL1):c.1990-6C>T

Gene: ECEL1 (endothelin converting enzyme like 1; minus strand). Cytogenetic location: 2q37.1.
Variant type: single nucleotide variant.
Coding change: c.1990-6C>T on transcript NM_004826.4 (MANE Select); 6 bases into the intron before coding-DNA position 1990, C replaced by T.
Molecular consequence: intron variant.
Genome position (GRCh38, 1-based): chr2:232,481,162, G>A on the plus strand (C>T on the coding strand, the complement: ECEL1 is on the minus strand). VCF-style: chr2-232481162-G-A. GRCh37 (hg19) VCF-style: chr2-233345872-G-A.
Other names: c.1984-6C>T (NM_001290787.2).
Identifiers: ClinVar variation 752616 (VCV000752616.7), dbSNP rs180767588, ClinGen allele CA2166997.